The following is an entry in ClinVar:

NM_001322934.2(NFKB2):c.1496G>A (p.Gly499Glu)

Gene: NFKB2 (nuclear factor kappa B subunit 2; plus strand). Cytogenetic location: 10q24.32.
Variant type: single nucleotide variant.
Coding change: c.1496G>A on transcript NM_001322934.2 (MANE Select); coding-DNA position 1496, G replaced by A.
Protein change: p.Gly499Glu; replaces glycine 499 with glutamic acid.
Molecular consequence: missense variant.
Genome position (GRCh38, 1-based): chr10:102,400,106, G>A. VCF-style: chr10-102400106-G-A. GRCh37 (hg19) VCF-style: chr10-104159863-G-A.
Other names: c.1496G>A, p.Gly499Glu (NM_001077493.1, NM_001077494.3, NM_001261403.3 and 2 more transcripts); c.1370G>A, p.Gly457Glu (NM_001322935.1); short protein forms G457E, G499E.
Identifiers: ClinVar variation 2766711 (VCV002766711.3), dbSNP rs2544594524, ClinGen allele CA377899751.

ClinVar aggregate classification (germline): Uncertain significance (1 of 4 stars; one submission).

Conditions:
Immunodeficiency, common variable, 10. Also called: IMMUNODEFICIENCY, COMMON VARIABLE, WITH CENTRAL ADRENAL INSUFFICIENCY; DEFICIT IN ANTERIOR PITUITARY FUNCTION AND VARIABLE IMMUNODEFICIENCY. Identifiers: MedGen C3809991, MONDO:0014260, OMIM 615577.

Submission:

Labcorp Genetics (formerly Invitae), Labcorp
Classification: Uncertain significance for Immunodeficiency, common variable, 10. Last evaluated: 2023-10-07. Review status: criteria provided, single submitter. Criteria: Invitae Variant Classification Sherloc (09022015). Collection method: clinical testing. Allele origin: germline.
Comment: This sequence change replaces glycine, which is neutral and non-polar, with glutamic acid, which is acidic and polar, at codon 499 of the NFKB2 protein (p.Gly499Glu). This variant is not present in population databases (gnomAD no frequency). This variant has not been reported in the literature in individuals affected with NFKB2-related conditions. Algorithms developed to predict the effect of missense changes on protein structure and function output the following: SIFT: "Not Available"; PolyPhen-2: "Benign"; Align-GVGD: "Not Available". The glutamic acid amino acid residue is found in multiple mammalian species, which suggests that this missense change does not adversely affect protein function. In summary, the available evidence is currently insufficient to determine the role of this variant in disease. Therefore, it has been classified as a Variant of Uncertain Significance.